The following is an entry in ClinVar:

ClinVar aggregate classification (germline): Benign (1 of 4 stars; one submission).

Allele frequency attached by ClinVar (database versions not stated): 1000 Genomes Project 30x 0.02295; 1000 Genomes Project 0.02496; TOPMed 0.04325; gnomAD 0.05462 and 0.05641.

Submission:

GeneDx
Classification: Benign. Last evaluated: 2018-06-14. Review status: criteria provided, single submitter. Criteria: GeneDx Variant Classification (06012015). Collection method: clinical testing. Allele origin: germline. Affected: yes.
Comment: This variant is considered likely benign or benign based on one or more of the following criteria: it is a conservative change, it occurs at a poorly conserved position in the protein, it is predicted to be benign by multiple in silico algorithms, and/or has population frequency not consistent with disease.

NM_001134407.3(GRIN2A):c.1329-317del

Gene: GRIN2A (glutamate ionotropic receptor NMDA type subunit 2A; minus strand). Cytogenetic location: 16p13.2.
Variant type: Deletion.
Coding change: c.1329-317del on transcript NM_001134407.3 (MANE Select); 317 bases into the intron before coding-DNA position 1329, one base deleted (T; older notation c.1329-317delT).
Molecular consequence: intron variant.
Genome position (GRCh38, 1-based): chr16:9,841,421, A deleted on the plus strand (T on the coding strand, the reverse complement: GRIN2A is on the minus strand). VCF-style (leftmost placement, unchanged base first): chr16-9841420-CA-C. GRCh37 (hg19) VCF-style: chr16-9935277-CA-C.
Other names: c.1329-317del (NM_001134408.2, NM_000833.5).
Identifiers: ClinVar variation 669405 (VCV000669405.1), dbSNP rs55939593, ClinGen allele CA278181521.